The following is an entry in ClinVar:

NM_003923.3(FOXH1):c.224A>G (p.Glu75Gly)

Gene: FOXH1 (forkhead box H1; minus strand). Cytogenetic location: 8q24.3.
Variant type: single nucleotide variant.
Coding change: c.224A>G on transcript NM_003923.3 (MANE Select); coding-DNA position 224, A replaced by G.
Protein change: p.Glu75Gly; replaces glutamic acid 75 with glycine.
Molecular consequence: missense variant.
Genome position (GRCh38, 1-based): chr8:144,475,212, T>C on the plus strand (A>G on the coding strand, the complement: FOXH1 is on the minus strand). VCF-style: chr8-144475212-T-C. GRCh37 (hg19) VCF-style: chr8-145700595-T-C.
Other names: short protein forms E75G.
Identifiers: ClinVar variation 910041 (VCV000910041.8), dbSNP rs761837057, ClinGen allele CA4945626.
Genomic context (GRCh38, chr8:144,475,212, plus strand): 5'-CCCACCTTGCGGAAGCATCGGTTGGAGGAAAGGTTGTGGCGAATGGAGTCTTTCCAGCCC[T>C]CGTAGTCTTCCCTGAAGAAGGGGAACACGGCCTGGACCTGACGGATGATCTGAAACCGCC-3'
Protein context (NP_003914.1, residues 65-85): AVFPFFREDY[Glu75Gly]GWKDSIRHNL

ClinVar aggregate classification (germline): Conflicting classifications of pathogenicity. Review status: criteria provided, conflicting classifications (1 of 4 stars). 2 submissions from 2 submitters: Uncertain significance (1); Likely benign (1). Last evaluated 2025-12-16.

Conditions:
Holoprosencephaly sequence (HPE). Also called: Holoprosencephaly. Identifiers: Orphanet 2162, MedGen C0079541, MONDO:0016296, HP:0001360.

Allele frequency attached by ClinVar (database versions not stated): TOPMed below 0.00001; gnomAD exomes 0.00001 and 0.00004; ExAC 0.00003.

Submissions (2):

Labcorp Genetics (formerly Invitae), Labcorp
Classification: Uncertain significance for Holoprosencephaly sequence. Last evaluated: 2025-12-16. Review status: criteria provided, single submitter. Criteria: Invitae Variant Classification Sherloc (09022015). Collection method: clinical testing. Allele origin: germline.
Comment: This sequence change replaces glutamic acid, which is acidic and polar, with glycine, which is neutral and non-polar, at codon 75 of the FOXH1 protein (p.Glu75Gly). This variant is present in population databases (rs761837057, gnomAD 0.02%). This variant has not been reported in the literature in individuals affected with FOXH1-related conditions. ClinVar contains an entry for this variant (Variation ID: 910041). Invitae Evidence Modeling of protein sequence and biophysical properties (such as structural, functional, and spatial information, amino acid conservation, physicochemical variation, residue mobility, and thermodynamic stability) indicates that this missense variant is not expected to disrupt FOXH1 protein function with a negative predictive value of 80%. In summary, the available evidence is currently insufficient to determine the role of this variant in disease. Therefore, it has been classified as a Variant of Uncertain Significance.

Illumina Laboratory Services, Illumina
Classification: Likely benign for Holoprosencephaly sequence. Last evaluated: 2018-01-12. Review status: criteria provided, single submitter. Criteria: ICSL Variant Classification Criteria 13 December 2019. Collection method: clinical testing. Allele origin: germline.
Comment: This variant was observed in the ICSL laboratory as part of a predisposition screen in an ostensibly healthy population. It had not been previously curated by ICSL or reported in the Human Gene Mutation Database (HGMD: prior to June 1st, 2018), and was therefore a candidate for classification through an automated scoring system. Utilizing variant allele frequency, disease prevalence and penetrance estimates, and inheritance mode, an automated score was calculated to assess if this variant is too frequent to cause the disease. Based on the score and internal cut-off values, a variant classified as likely benign is not then subjected to further curation. The score for this variant resulted in a classification of likely benign for this disease.